The following is an entry in ClinVar:

NM_000548.5(TSC2):c.5259+50_5275del

Gene: TSC2 (TSC complex subunit 2; plus strand). Cytogenetic location: 16p13.3.
Variant type: Deletion.
Coding change: c.5259+50_5275del on transcript NM_000548.5 (MANE Select); 50 bases into the intron after coding-DNA position 5259 through coding-DNA position 5275, 87 bases deleted.
Molecular consequence: splice acceptor variant.
Genome position (GRCh38, 1-based): chr16:2,088,375-2,088,461, 87 bases deleted. GRCh37 (hg19): chr16:2,138,376-2,138,462.
Other names: c.5190+50_5206del (NM_001114382.3); c.5130+50_5146del (NM_021055.3); c.5118+50_5134del (NM_001370405.1); c.5061+50_5077del (NM_001363528.2); c.5127+50_5143del (NM_001370404.1); c.5058+50_5074del (NM_001077183.3); c.4950+50_4966del (NM_001318827.2); c.4527+50_4543del (NM_001318831.2); and 2 more.
Identifiers: ClinVar variation 1008706 (VCV001008706.7), dbSNP rs2091168537, ClinGen allele CA973770765.

ClinVar aggregate classification (germline): Uncertain significance. Review status: criteria provided, multiple submitters, no conflicts (2 of 4 stars). 2 submissions from 2 submitters: Uncertain significance (2). Last evaluated 2025-08-17.

Conditions:
Tuberous sclerosis syndrome (TSC). Also called: Tuberous sclerosis; Tuberous Sclerosis Complex. Identifiers: Orphanet 805, MedGen C0041341, MONDO:0001734.
Tuberous sclerosis 2 (TSC2). Identifiers: Orphanet 805, MedGen C1860707, MONDO:0013199, OMIM 613254.

Submissions (2):

Labcorp Genetics (formerly Invitae), Labcorp
Classification: Uncertain significance for Tuberous sclerosis 2. Last evaluated: 2025-08-17. Review status: criteria provided, single submitter. Criteria: Invitae Variant Classification Sherloc (09022015). Collection method: clinical testing. Allele origin: germline.
Comment: This variant results in the deletion of part of exon 42 (c.5259+50_5275del) of the TSC2 gene. While this variant is not anticipated to result in nonsense mediated decay, it likely alters RNA splicing and results in a disrupted protein product. This variant has not been reported in the literature in individuals affected with TSC2-related conditions. Variants that disrupt the consensus splice site are a relatively common cause of aberrant splicing (PMID: 17576681, 9536098). In summary, the available evidence is currently insufficient to determine the role of this variant in disease. Therefore, it has been classified as a Variant of Uncertain Significance.

All of Us Research Program, National Institutes of Health
Classification: Uncertain significance for Tuberous sclerosis syndrome. Last evaluated: 2024-01-03. Review status: criteria provided, single submitter. Criteria: ACMG Guidelines, 2015. Collection method: clinical testing. Allele origin: germline. Inheritance: Autosomal dominant inheritance. Observed: 1 variant allele, 1 heterozygote.
Comment: This variant causes a deletion of 87 nucleotides at the intron 41/exon 42 boundary (71bp of intron 41 and 16bp of exon 42, the last exon) of the TSC2 gene. This variant is expected to abolish the intron 41/exon 42 splice acceptor site and result in an aberrant protein product, however it not anticipated to result in nonsense mediated decay. To our knowledge, RNA studies have not been reported for this variant and the protein consequence is unknown. This variant has not been reported in individuals affected with TSC2-related disorders in the literature. Other intron 41/exon 42 splice acceptor variants are classified as having uncertain clinical significance in ClinVar (Variation IDs: 825595, 1493658, 372963). This variant has not been identified in the general population by the Genome Aggregation Database (gnomAD). The available evidence is insufficient to determine the role of this variant in disease conclusively. Therefore, this variant is classified as a Variant of Uncertain Significance.

This study involves interpretation of variants in research participants for the purpose of population health screening. Participant phenotype was not available at the time of variant classification. Additional details can be found in publication PMID: 35346344, PMCID: PMC8962531

Literature cited by the submitters: PubMed 17576681 (cited by Labcorp Genetics (formerly Invitae), Labcorp); PubMed 9536098 (cited by Labcorp Genetics (formerly Invitae), Labcorp).